The following is an entry in ClinVar:

NM_001035.3(RYR2):c.629C>T (p.Thr210Ile)

Gene: RYR2 (ryanodine receptor 2; plus strand). Cytogenetic location: 1q43.
Variant type: single nucleotide variant.
Coding change: c.629C>T on transcript NM_001035.3 (MANE Select); coding-DNA position 629, C replaced by T.
Protein change: p.Thr210Ile; replaces threonine 210 with isoleucine.
Molecular consequence: missense variant.
Genome position (GRCh38, 1-based): chr1:237,387,333, C>T. VCF-style: chr1-237387333-C-T. GRCh37 (hg19) VCF-style: chr1-237550633-C-T.
Other names: c.629C>T, p.Thr210Ile (LRG_402t1); short protein forms T210I.
Identifiers: ClinVar variation 496094 (VCV000496094.13), dbSNP rs371086868, ClinGen allele CA087089.

ClinVar aggregate classification (germline): Uncertain significance. Review status: criteria provided, multiple submitters, no conflicts (2 of 4 stars). 4 submissions from 4 submitters: Uncertain significance (4). Last evaluated 2025-01-22.

Conditions:
Cardiovascular phenotype. Identifiers: MedGen CN230736.
Catecholaminergic polymorphic ventricular tachycardia 1. Also called: RYR2-Related Catecholaminergic Polymorphic Ventricular Tachycardia; VENTRICULAR TACHYCARDIA, CATECHOLAMINERGIC POLYMORPHIC, 1, WITH OR WITHOUT ATRIAL DYSFUNCTION AND/OR DILATED CARDIOMYOPATHY; VENTRICULAR TACHYCARDIA, STRESS-INDUCED POLYMORPHIC 1. Identifiers: Orphanet 3286, MedGen C1631597, MONDO:0011484, OMIM 604772.
Cardiomyopathy (CMYO). Also called: Cardiomyopathies. Identifiers: Orphanet 167848, MedGen C0878544, MONDO:0004994, HP:0001638. Inheritance: Various modes of inheritance.

Allele frequency attached by ClinVar (database versions not stated): gnomAD exomes below 0.00001 and 0.00002; ExAC 0.00001; TOPMed 0.00003; gnomAD 0.00007 and 0.00008; ESP Exome Variant Server 0.00008.
gnomAD v4.1: 16 of 1,613,910 alleles (0.00099%); highest among the groups gnomAD compares: African/African-American, 0.02%; no homozygotes.

Submissions (4):

Labcorp Genetics (formerly Invitae), Labcorp
Classification: Uncertain significance for Catecholaminergic polymorphic ventricular tachycardia 1. Last evaluated: 2025-01-22. Review status: criteria provided, single submitter. Criteria: Invitae Variant Classification Sherloc (09022015). Collection method: clinical testing. Allele origin: germline.
Comment: This sequence change replaces threonine, which is neutral and polar, with isoleucine, which is neutral and non-polar, at codon 210 of the RYR2 protein (p.Thr210Ile). This variant is present in population databases (rs371086868, gnomAD 0.03%). This variant has not been reported in the literature in individuals affected with RYR2-related conditions. ClinVar contains an entry for this variant (Variation ID: 496094). Invitae Evidence Modeling of protein sequence and biophysical properties (such as structural, functional, and spatial information, amino acid conservation, physicochemical variation, residue mobility, and thermodynamic stability) indicates that this missense variant is expected to disrupt RYR2 protein function with a positive predictive value of 95%. In summary, the available evidence is currently insufficient to determine the role of this variant in disease. Therefore, it has been classified as a Variant of Uncertain Significance.

Color Diagnostics, LLC DBA Color Health
Classification: Uncertain significance for Cardiomyopathy. Last evaluated: 2024-04-10. Review status: criteria provided, single submitter. Criteria: ACMG Guidelines, 2015. Collection method: clinical testing. Allele origin: germline.
Comment: This missense variant replaces threonine with isoleucine at codon 210 of the RYR2 protein. Computational prediction suggests that this variant may have deleterious impact on protein structure and function (internally defined REVEL score threshold >= 0.7, PMID: 27666373). To our knowledge, functional studies have not been reported for this variant. This variant has not been reported in individuals affected with RYR2-related disorders in the literature. This variant has been identified in 7/280608 chromosomes in the general population by the Genome Aggregation Database (gnomAD). The available evidence is insufficient to determine the role of this variant in disease conclusively. Therefore, this variant is classified as a Variant of Uncertain Significance.

Ambry Genetics
Classification: Uncertain significance for Cardiovascular phenotype. Last evaluated: 2023-05-08. Review status: criteria provided, single submitter. Criteria: Ambry Variant Classification Scheme 2023. Collection method: clinical testing. Allele origin: germline.
Comment: The p.T210I variant (also known as c.629C>T), located in coding exon 9 of the RYR2 gene, results from a C to T substitution at nucleotide position 629. The threonine at codon 210 is replaced by isoleucine, an amino acid with similar properties. This amino acid position is highly conserved in available vertebrate species. In addition, this alteration is predicted to be deleterious by in silico analysis. Since supporting evidence is limited at this time, the clinical significance of this alteration remains unclear.

Women's Health and Genetics/Laboratory Corporation of America, LabCorp
Classification: Uncertain significance. Last evaluated: 2021-08-28. Review status: criteria provided, single submitter. Criteria: LabCorp Variant Classification Summary - May 2015. Collection method: clinical testing. Allele origin: germline.
Comment: Variant summary: RYR2 c.629C>T (p.Thr210Ile) results in a non-conservative amino acid change located in the Inositol 1,4,5-triphosphate/ryanodine receptor domain (IPR014821) of the encoded protein sequence. Five of five in-silico tools predict a damaging effect of the variant on protein function. The variant allele was found at a frequency of 1.6e-05 in 249196 control chromosomes. The available data on variant occurrences in the general population are insufficient to allow any conclusion about variant significance. To our knowledge, no occurrence of c.629C>T in individuals affected with Arrhythmia and no experimental evidence demonstrating its impact on protein function have been reported. One clinical diagnostic laboratory has submitted clinical-significance assessments for this variant to ClinVar after 2014 without evidence for independent evaluation and classified the variant as uncertain significance. Based on the evidence outlined above, the variant was classified as uncertain significance.